The following is an entry in ClinVar:

ClinVar aggregate classification (germline): Likely benign. Review status: criteria provided, multiple submitters, no conflicts (2 of 4 stars). 3 submissions from 3 submitters: Likely benign (2). 1 of the submissions does not count toward it. Last evaluated 2026-01-06.

Conditions:
JAG1-related disorder. Also called: JAG1-related disorders; JAG1-related condition.
Alagille syndrome due to a JAG1 point mutation. Also called: HEPATIC DUCTULAR HYPOPLASIA, SYNDROMATIC; Alagille Syndrome 1; JAG1-Related Alagille Syndrome. Identifiers: Orphanet 261619, Orphanet 52, MedGen C1956125, MONDO:0016862, OMIM 118450.
Cardiovascular phenotype. Identifiers: MedGen CN230736.

Allele frequency attached by ClinVar (database versions not stated): TOPMed below 0.00001; ExAC 0.00001; gnomAD 0.00001; gnomAD exomes 0.00001.
gnomAD v4.1: 11 of 1,614,080 alleles (0.00068%); highest among the groups gnomAD compares: Non-Finnish European, 0.00085%; no homozygotes.

Submissions (3):

Ambry Genetics
Classification: Likely benign for Cardiovascular phenotype. Last evaluated: 2026-01-06. Review status: criteria provided, single submitter. Criteria: Ambry Variant Classification Scheme 2023. Collection method: clinical testing. Allele origin: germline.

Labcorp Genetics (formerly Invitae), Labcorp
Classification: Likely benign for Alagille syndrome due to a JAG1 point mutation. Last evaluated: 2022-07-01. Review status: criteria provided, single submitter. Criteria: Invitae Variant Classification Sherloc (09022015). Collection method: clinical testing. Allele origin: germline.

PreventionGenetics, part of Exact Sciences
Classification: Likely benign for JAG1-related condition. Last evaluated: 2019-06-06. Review status: no assertion criteria provided. Collection method: clinical testing. Allele origin: germline. Not counted in ClinVar's aggregate classification.
Comment: This variant is classified as likely benign based on ACMG/AMP sequence variant interpretation guidelines (Richards et al. 2015 PMID: 25741868, with internal and published modifications).

NM_000214.3(JAG1):c.1845T>C (p.Cys615=)

Gene: JAG1 (jagged canonical Notch ligand 1; minus strand). Cytogenetic location: 20p12.2.
Variant type: single nucleotide variant.
Coding change: c.1845T>C on transcript NM_000214.3 (MANE Select); coding-DNA position 1845, T replaced by C.
Protein change: p.Cys615=; no amino-acid change (cysteine 615 retained).
Molecular consequence: synonymous variant.
Genome position (GRCh38, 1-based): chr20:10,646,979, A>G on the plus strand (T>C on the coding strand, the complement: JAG1 is on the minus strand). VCF-style: chr20-10646979-A-G. GRCh37 (hg19) VCF-style: chr20-10627627-A-G.
Other names: c.1845T>C (NM_000214.2).
Identifiers: ClinVar variation 2136330 (VCV002136330.7), dbSNP rs757758869, ClinGen allele CA9764739.